The following is an entry in ClinVar:

ClinVar aggregate classification (germline): Uncertain significance (1 of 4 stars; one submission).

Conditions:
Isolated microphthalmia 5. Also called: Posterior Microphthalmia with Retinitis Pigmentosa, Foveoschisis, and Optic Disc Drusen. Identifiers: Orphanet 251279, MedGen C1970236, MONDO:0012605, OMIM 611040.

Submission:

Labcorp Genetics (formerly Invitae), Labcorp
Classification: Uncertain significance for Isolated microphthalmia 5. Last evaluated: 2022-06-22. Review status: criteria provided, single submitter. Criteria: Invitae Variant Classification Sherloc (09022015). Collection method: clinical testing. Allele origin: germline.
Comment: This variant, c.346_348dup, results in the insertion of 1 amino acid(s) of the MFRP protein (p.Thr116dup), but otherwise preserves the integrity of the reading frame. In summary, the available evidence is currently insufficient to determine the role of this variant in disease. Therefore, it has been classified as a Variant of Uncertain Significance. Experimental studies and prediction algorithms are not available or were not evaluated, and the functional significance of this variant is currently unknown. This variant has not been reported in the literature in individuals affected with MFRP-related conditions. This variant is present in population databases (no rsID available, gnomAD 0.0009%).

NM_031433.4(MFRP):c.337ACC[5] (p.Thr116_Pro117insThr)

Genes: C1QTNF5 (C1q and TNF related 5; minus strand), MFRP (membrane frizzled-related protein; minus strand). Cytogenetic location: 11q23.3.
Variant type: Microsatellite.
Coding change: c.337ACC[5] on transcript NM_031433.4 (MANE Select); five copies in a row of the 3-base unit ACC starting at c.337; the reference has four copies in a row; one copy, 3 bases duplicated.
Protein change: p.Thr116_Pro117insThr.
Molecular consequence: inframe insertion. On other transcripts: 5 prime UTR variant (1).
Genome position (GRCh38, 1-based): chr11:119,345,852-119,345,854, GGT duplicated on the plus strand (ACC on the coding strand, the reverse complement: MFRP is on the minus strand); duplicating any 3 consecutive bases within chr11:119,345,852-119,345,863 gives the same sequence; the position shown is the placement nearest the transcript's 3' end. VCF-style (leftmost placement, unchanged base first): chr11-119345851-G-GGGT. GRCh37 (hg19) VCF-style: chr11-119216561-G-GGGT.
Other names: c.-2300ACC[5] (NM_015645.5).
Identifiers: ClinVar variation 2075008 (VCV002075008.3), dbSNP rs1565295963, ClinGen allele CA602579142.